The following is an entry in ClinVar:

ClinVar aggregate classification (germline): Uncertain significance. Review status: criteria provided, single submitter (1 of 4 stars). 2 submissions from 2 submitters: Uncertain significance (1). 1 of the submissions does not count toward it. Last evaluated 2024-05-06.

Conditions:
Charcot-Marie-Tooth disease. Also called: Charcot-Marie-Tooth Neuropathy; Charcot-Marie-Tooth Hereditary Neuropathy. Identifiers: Orphanet 166, MedGen C0007959, MONDO:0015626.
Giant axonal neuropathy 1 (GAN1). Also called: GIANT AXONAL NEUROPATHY 1, AUTOSOMAL RECESSIVE; GAN-Related Neurodegeneration. Identifiers: Orphanet 643, MedGen C1850386, MONDO:0009749, OMIM 256850.

Allele frequency attached by ClinVar (database versions not stated): gnomAD exomes 0.00001; TOPMed 0.00001; ExAC 0.00003.
gnomAD v4.1: 15 of 1,429,668 alleles (0.001%); highest among the groups gnomAD compares: Non-Finnish European, 0.0013%; no homozygotes.

Submissions (2):

Labcorp Genetics (formerly Invitae), Labcorp
Classification: Uncertain significance for Giant axonal neuropathy 1. Last evaluated: 2024-05-06. Review status: criteria provided, single submitter. Criteria: Invitae Variant Classification Sherloc (09022015). Collection method: clinical testing. Allele origin: germline.
Comment: This sequence change replaces glutamic acid, which is acidic and polar, with lysine, which is basic and polar, at codon 362 of the GAN protein (p.Glu362Lys). This variant is present in population databases (rs587779384, gnomAD 0.004%). This missense change has been observed in individual(s) with Charcot Marie Tooth disease, type 2 (PMID: 25025039). ClinVar contains an entry for this variant (Variation ID: 157535). An algorithm developed to predict the effect of missense changes on protein structure and function (PolyPhen-2) suggests that this variant is likely to be tolerated. In summary, the available evidence is currently insufficient to determine the role of this variant in disease. Therefore, it has been classified as a Variant of Uncertain Significance.

Dept. of Medical Genetics, Telemark Hospital Trust, Telemark Hospital Trust
Classification: Uncertain significance for Charcot-Marie-Tooth disease. Last evaluated: 2013-11-01. Review status: no assertion criteria provided. Collection method: research. Allele origin: unknown. Affected: yes. Study: Charcot-Marie-Tooth disease study. Not counted in ClinVar's aggregate classification.
Comment: Populational based study of Charcot-Marie-Tooth disease in Norway

Literature cited by the submitters: PubMed 25025039 (cited by Labcorp Genetics (formerly Invitae), Labcorp and Dept. of Medical Genetics, Telemark Hospital Trust, Telemark Hospital Trust); PMC 4306395 (cited by Dept. of Medical Genetics, Telemark Hospital Trust, Telemark Hospital Trust).

NM_022041.4(GAN):c.1084G>A (p.Glu362Lys)

Gene: GAN (gigaxonin; plus strand). Cytogenetic location: 16q23.2.
Variant type: single nucleotide variant.
Coding change: c.1084G>A on transcript NM_022041.4 (MANE Select); coding-DNA position 1084, G replaced by A.
Protein change: p.Glu362Lys; replaces glutamic acid 362 with lysine.
Molecular consequence: missense variant.
Genome position (GRCh38, 1-based): chr16:81,362,609, G>A. VCF-style: chr16-81362609-G-A. GRCh37 (hg19) VCF-style: chr16-81396214-G-A.
Other names: c.445G>A, p.Glu149Lys (NM_001377486.1); short protein forms E362K, E149K.
Identifiers: ClinVar variation 157535 (VCV000157535.9), dbSNP rs587779384, ClinGen allele CA270952.